The following is an entry in ClinVar:

NM_001321739.2(M1AP):c.932+1G>A

Gene: M1AP (meiosis 1 associated protein; minus strand). Cytogenetic location: 2p13.1.
Variant type: single nucleotide variant.
Coding change: c.932+1G>A on transcript NM_001321739.2 (MANE Select); the canonical splice donor site of the intron after coding-DNA position 932, G replaced by A.
Molecular consequence: splice donor variant.
Genome position (GRCh38, 1-based): chr2:74,576,455, C>T on the plus strand (G>A on the coding strand, the complement: M1AP is on the minus strand). VCF-style: chr2-74576455-C-T. GRCh37 (hg19) VCF-style: chr2-74803582-C-T.
Other names: c.932+1G>A (NM_001281296.2, NM_138804.5, NM_001281295.2).
Identifiers: ClinVar variation 4845729 (VCV004845729.1).

ClinVar aggregate classification (germline): Likely pathogenic (1 of 4 stars; one submission).

Conditions:
Spermatogenic failure 48. Identifiers: MedGen C5436823, MONDO:0030846, OMIM 619108.

gnomAD v4.1: 1 of 1,613,444 alleles (0.000062%); highest among the groups gnomAD compares: Middle Eastern, 0.018%; no homozygotes.

Submission:

First Genomix Gene Laboratory, Genetic Diagnostics Department
Classification: Likely pathogenic for Spermatogenic failure 48. Last evaluated: 2025-01-03. Review status: criteria provided, single submitter. Criteria: ACMG Guidelines, 2015. Collection method: clinical testing. Allele origin: germline. Inheritance: Autosomal recessive inheritance. Affected: no. Observed: 1 variant allele.